The following is an entry in ClinVar:

NM_001035.3(RYR2):c.10774_10776delinsCCT (p.Ser3592Pro)

Gene: RYR2 (ryanodine receptor 2; plus strand). Cytogenetic location: 1q43.
Variant type: Indel.
Coding change: c.10774_10776delinsCCT on transcript NM_001035.3 (MANE Select); coding-DNA positions 10774 to 10776, TCC replaced by CCT.
Protein change: p.Ser3592Pro; replaces serine 3592 with proline.
Molecular consequence: missense variant.
Genome position (GRCh38, 1-based): chr1:237,727,135-237,727,137, TCC replaced by CCT. VCF-style: chr1-237727135-TCC-CCT. GRCh37 (hg19) VCF-style: chr1-237890435-TCC-CCT.
Other names: short protein forms S3592P.
Identifiers: ClinVar variation 5028669 (VCV005028669.1).
Genomic context (GRCh38, chr1:237,727,135, plus strand): 5'-ATTCTACCTCAGGTGGAACATCCTCAGAGATCTAAAAAGGCTGTATGGCATAAACTACTG[TCC>CCT]AAGCAGAGGAAAAGGGCTGTTGTAGCCTGCTTCCGGATGGCCCCCTTATATAATCTGCCA-3'
Protein context (NP_001026.2, residues 3582-3602): SKKAVWHKLL[Ser3592Pro]KQRKRAVVAC

ClinVar aggregate classification (germline): Uncertain significance (1 of 4 stars; one submission).

Conditions:
Cardiovascular phenotype. Identifiers: MedGen CN230736.

Submission:

Ambry Genetics
Classification: Uncertain significance for Cardiovascular phenotype. Last evaluated: 2026-07-08. Review status: criteria provided, single submitter. Criteria: Ambry Variant Classification Scheme 2023. Collection method: clinical testing. Allele origin: germline.
Comment: The c.10774_10776delTCCinsCCT variant (also known as p.S3592P), located in coding exon 76 of the RYR2 gene, results from an in-frame deletion of TCC and insertion of CCT at nucleotide positions 10774 to 10776. This results in the substitution of the serine residue for a proline residue at codon 3592, an amino acid with similar properties. This variant was reported in a genetic testing cohort (Murphy J et al. Ir J Med Sci, 2024 Aug;193:1775-1785). This amino acid position is highly conserved in available vertebrate species. In addition, this alteration is predicted to be deleterious by in silico analysis. Based on the available evidence, the clinical significance of this variant remains unclear.

Literature cited by the submitters: PubMed 38489124.